The following is an entry in ClinVar:

ClinVar aggregate classification (germline): Uncertain significance (1 of 4 stars; one submission).

Conditions:
Cardiomyopathy (CMYO). Also called: Cardiomyopathies. Identifiers: Orphanet 167848, MedGen C0878544, MONDO:0004994, HP:0001638. Inheritance: Various modes of inheritance.

gnomAD v4.1: 2 of 1,614,182 alleles (0.00012%); highest among the groups gnomAD compares: Non-Finnish European, 0.00017%; no homozygotes.

Submission:

Color Diagnostics, LLC DBA Color Health
Classification: Uncertain significance for Cardiomyopathy. Last evaluated: 2024-03-07. Review status: criteria provided, single submitter. Criteria: ACMG Guidelines, 2015. Collection method: clinical testing. Allele origin: germline.
Comment: This missense variant replaces asparagine with lysine at codon 1486 of the MYH7 protein. Computational prediction is inconclusive regarding the impact of this variant on protein structure and function (internally defined REVEL score threshold 0.5 < inconclusive < 0.7, PMID: 27666373). To our knowledge, functional studies have not been reported for this variant. This variant has not been reported in individuals affected with cardiovascular disorders in the literature. This variant has not been identified in the general population by the Genome Aggregation Database (gnomAD). The available evidence is insufficient to determine the role of this variant in disease conclusively. Therefore, this variant is classified as a Variant of Uncertain Significance.

NM_000257.4(MYH7):c.4458C>A (p.Asn1486Lys)

Genes: MHRT (myosin heavy chain associated RNA transcript; plus strand), MYH7 (myosin heavy chain 7; minus strand). Cytogenetic location: 14q11.2.
Variant type: single nucleotide variant.
Coding change: c.4458C>A on transcript NM_000257.4 (MANE Select); coding-DNA position 4458, C replaced by A.
Protein change: p.Asn1486Lys; replaces asparagine 1486 with lysine.
Molecular consequence: missense variant. On other transcripts: non-coding transcript variant (1).
Genome position (GRCh38, 1-based): chr14:23,417,214, G>T on the plus strand (C>A on the coding strand, the complement: MYH7 is on the minus strand). VCF-style: chr14-23417214-G-T. GRCh37 (hg19) VCF-style: chr14-23886423-G-T.
Other names: short protein forms N1486K.
Identifiers: ClinVar variation 1171891 (VCV001171891.3), dbSNP rs571704020, ClinGen allele CA389038370.
Genomic context (GRCh38, chr14:23,417,214, plus strand): 5'-CTGCAGGTTTTTGTTCTCCCGCTTGAAGGTCTCCAGATGTTCCAGGGACTCCTCATAGGC[G>T]TTCTTGAGTTTGAAGAGCTCTGTGCTGAGGGAGCGAGCCTCCTTCTGCGAGGACTCCAGC-3'
Protein context (NP_000248.2, residues 1476-1496): SLSTELFKLK[Asn1486Lys]AYEESLEHLE